The following is an entry in ClinVar:

ClinVar aggregate classification (germline): Uncertain significance (0 of 4 stars; one submission).

Conditions:
FAT1-related disorder. Also called: FAT1-related condition.

Allele frequency attached by ClinVar (database versions not stated): TOPMed 0.00003; gnomAD 0.00005.
gnomAD v4.1: 55 of 1,613,868 alleles (0.0034%); highest among the groups gnomAD compares: Non-Finnish European, 0.0042%; no homozygotes.

Submission:

PreventionGenetics, part of Exact Sciences
Classification: Uncertain significance for FAT1-related condition. Last evaluated: 2023-12-01. Review status: no assertion criteria provided. Collection method: clinical testing. Allele origin: germline.
Comment: The FAT1 c.6659A>G variant is predicted to result in the amino acid substitution p.Asp2220Gly. To our knowledge, this variant has not been reported in the literature. This variant is reported in 0.0031% of alleles in individuals of European (Non-Finnish) descent in gnomAD. At this time, the clinical significance of this variant is uncertain due to the absence of conclusive functional and genetic evidence.

NM_005245.4(FAT1):c.6659A>G (p.Asp2220Gly)

Gene: FAT1 (FAT atypical cadherin 1; minus strand). Cytogenetic location: 4q35.2.
Variant type: single nucleotide variant.
Coding change: c.6659A>G on transcript NM_005245.4 (MANE Select); coding-DNA position 6659, A replaced by G.
Protein change: p.Asp2220Gly; replaces aspartic acid 2220 with glycine.
Molecular consequence: missense variant.
Genome position (GRCh38, 1-based): chr4:186,619,927, T>C on the plus strand (A>G on the coding strand, the complement: FAT1 is on the minus strand). VCF-style: chr4-186619927-T-C. GRCh37 (hg19) VCF-style: chr4-187541081-T-C.
Other names: short protein forms D2220G.
Identifiers: ClinVar variation 3051584 (VCV003051584.2), dbSNP rs757038952, ClinGen allele CA3166208.